The following is an entry in ClinVar:

ClinVar aggregate classification (germline): Likely pathogenic (1 of 4 stars; one submission).

Conditions:
Fanconi anemia complementation group P. Also called: SLX4-Related Fanconi Anemia. Identifiers: Orphanet 84, MedGen C3469542, MONDO:0013499, OMIM 613951.

Submission:

First Genomix Gene Laboratory, Genetic Diagnostics Department
Classification: Likely pathogenic for Fanconi anemia complementation group P. Last evaluated: 2025-01-28. Review status: criteria provided, single submitter. Criteria: ACMG Guidelines, 2015. Collection method: clinical testing. Allele origin: germline. Inheritance: Autosomal recessive inheritance. Affected: no. Observed: 1 variant allele.

NM_032444.4(SLX4):c.3110T>A (p.Leu1037Ter)

Gene: SLX4 (SLX4 structure-specific endonuclease subunit; minus strand). Cytogenetic location: 16p13.3.
Variant type: single nucleotide variant.
Coding change: c.3110T>A on transcript NM_032444.4 (MANE Select); coding-DNA position 3110, T replaced by A.
Protein change: p.Leu1037Ter; replaces leucine 1037 with a stop codon.
Molecular consequence: nonsense.
Genome position (GRCh38, 1-based): chr16:3,590,528, A>T on the plus strand (T>A on the coding strand, the complement: SLX4 is on the minus strand). VCF-style: chr16-3590528-A-T. GRCh37 (hg19) VCF-style: chr16-3640529-A-T.
Other names: short protein forms L1037*.
Identifiers: ClinVar variation 4845686 (VCV004845686.1).